The following is an entry in ClinVar:

NM_000384.3(APOB):c.801C>T (p.Phe267=)

Gene: APOB (apolipoprotein B; minus strand). Cytogenetic location: 2p24.1.
Variant type: single nucleotide variant.
Coding change: c.801C>T on transcript NM_000384.3 (MANE Select); coding-DNA position 801, C replaced by T.
Protein change: p.Phe267=; no amino-acid change (phenylalanine 267 retained).
Molecular consequence: synonymous variant.
Genome position (GRCh38, 1-based): chr2:21,035,601, G>A on the plus strand (C>T on the coding strand, the complement: APOB is on the minus strand). VCF-style: chr2-21035601-G-A. GRCh37 (hg19) VCF-style: chr2-21258473-G-A.
Identifiers: ClinVar variation 1084427 (VCV001084427.12), dbSNP rs746672223, ClinGen allele CA065042.

ClinVar aggregate classification (germline): Likely benign. Review status: criteria provided, multiple submitters, no conflicts (2 of 4 stars). 2 submissions from 2 submitters: Likely benign (2). Last evaluated 2026-07-01.

Conditions:
Hypercholesterolemia, autosomal dominant, type B (FHCL2). Also called: Familial Hypercholesterolemia Type B; APOB-Related Familial Hypercholesterolemia, Autosomal Dominant; Familial hypercholesterolemia 2; APOLIPOPROTEIN B-100, FAMILIAL DEFECTIVE; APOLIPOPROTEIN B-100, FAMILIAL LIGAND-DEFECTIVE; HYPERCHOLESTEROLEMIA, FAMILIAL, DUE TO LIGAND-DEFECTIVE APOLIPOPROTEIN B. Identifiers: MedGen C1704417, MONDO:0007751, OMIM 144010.
Familial hypobetalipoproteinemia 1. Also called: Hypobetalipoproteinemia, normotriglyceridemic; Acanthocytosis with hypobetalipoproteinemia; APOB-Related Familial Hypobetalipoproteinemia. Identifiers: MedGen C4551990, MONDO:0014252, OMIM 615558.

Allele frequency attached by ClinVar (database versions not stated): gnomAD exomes below 0.00001; gnomAD 0.00001; TOPMed below 0.00001; ExAC 0.00001.
gnomAD v4.1: 2 of 1,613,972 alleles (0.00012%); highest among the groups gnomAD compares: Non-Finnish European, 0.00017%; no homozygotes.

Submissions (2):

CeGaT Center for Human Genetics Tuebingen
Classification: Likely benign. Last evaluated: 2026-07-01. Review status: criteria provided, single submitter. Criteria: CeGaT Center For Human Genetics Tuebingen Variant Classification Criteria Version 2. Collection method: clinical testing. Allele origin: germline. Affected: yes. Observed: 1 variant allele.
Comment: APOB: BP4, BP7

Labcorp Genetics (formerly Invitae), Labcorp
Classification: Likely benign for Familial hypobetalipoproteinemia 1; Hypercholesterolemia, autosomal dominant, type B. Last evaluated: 2025-02-05. Review status: criteria provided, single submitter. Criteria: Invitae Variant Classification Sherloc (09022015). Collection method: clinical testing. Allele origin: germline.